The following is an entry in ClinVar:

NM_152464.3(VMA12):c.74G>A (p.Arg25Gln)

Gene: VMA12 (vacuolar ATPase assembly factor VMA12; plus strand). Cytogenetic location: 17q11.2.
Variant type: single nucleotide variant.
Coding change: c.74G>A on transcript NM_152464.3 (MANE Select); coding-DNA position 74, G replaced by A.
Protein change: p.Arg25Gln; replaces arginine 25 with glutamine.
Molecular consequence: missense variant.
Genome position (GRCh38, 1-based): chr17:28,357,744, G>A. VCF-style: chr17-28357744-G-A. GRCh37 (hg19) VCF-style: chr17-26684767-G-A.
Other names: short protein forms R25Q.
Identifiers: ClinVar variation 2186017 (VCV002186017.4), dbSNP rs373775018, ClinGen allele CA8456931.

ClinVar aggregate classification (germline): Uncertain significance (1 of 4 stars; one submission).

Allele frequency attached by ClinVar (database versions not stated): gnomAD 0.00001.
gnomAD v4.1: 22 of 1,613,234 alleles (0.0014%); highest among the groups gnomAD compares: Admixed American, 0.033%; no homozygotes.

Submission:

Labcorp Genetics (formerly Invitae), Labcorp
Classification: Uncertain significance. Last evaluated: 2022-09-01. Review status: criteria provided, single submitter. Criteria: Invitae Variant Classification Sherloc (09022015). Collection method: clinical testing. Allele origin: germline.
Comment: In summary, the available evidence is currently insufficient to determine the role of this variant in disease. Therefore, it has been classified as a Variant of Uncertain Significance. Algorithms developed to predict the effect of missense changes on protein structure and function output the following: SIFT: "Tolerated"; PolyPhen-2: "Benign"; Align-GVGD: "Class C0". The glutamine amino acid residue is found in multiple mammalian species, which suggests that this missense change does not adversely affect protein function. This variant has not been reported in the literature in individuals affected with TMEM199-related conditions. This variant is present in population databases (rs373775018, gnomAD 0.05%). This sequence change replaces arginine, which is basic and polar, with glutamine, which is neutral and polar, at codon 25 of the TMEM199 protein (p.Arg25Gln).